The following is an entry in ClinVar:

ClinVar aggregate classification (germline): Uncertain significance (1 of 4 stars; one submission).

Conditions:
Alstrom syndrome (ALMS). Identifiers: Orphanet 64, MedGen C0268425, MONDO:0008763, OMIM 203800.

Submission:

Labcorp Genetics (formerly Invitae), Labcorp
Classification: Uncertain significance for Alstrom syndrome. Last evaluated: 2025-02-09. Review status: criteria provided, single submitter. Criteria: Invitae Variant Classification Sherloc (09022015). Collection method: clinical testing. Allele origin: germline.
Comment: This sequence change replaces proline, which is neutral and non-polar, with threonine, which is neutral and polar, at codon 1719 of the ALMS1 protein (p.Pro1719Thr). This variant is not present in population databases (gnomAD no frequency). This variant has not been reported in the literature in individuals affected with ALMS1-related conditions. Experimental studies and prediction algorithms are not available or were not evaluated, and the functional significance of this variant is currently unknown. In summary, the available evidence is currently insufficient to determine the role of this variant in disease. Therefore, it has been classified as a Variant of Uncertain Significance.

NM_001378454.1(ALMS1):c.5152C>A (p.Pro1718Thr)

Gene: ALMS1 (ALMS1 centrosome and basal body associated protein; plus strand). Cytogenetic location: 2p13.1.
Variant type: single nucleotide variant.
Coding change: c.5152C>A on transcript NM_001378454.1 (MANE Select); coding-DNA position 5152, C replaced by A.
Protein change: p.Pro1718Thr; replaces proline 1718 with threonine.
Molecular consequence: missense variant.
Genome position (GRCh38, 1-based): chr2:73,451,679, C>A. VCF-style: chr2-73451679-C-A. GRCh37 (hg19) VCF-style: chr2-73678806-C-A.
Other names: c.5155C>A, p.Pro1719Thr (NM_015120.4); short protein forms P1718T, P1719T.
Identifiers: ClinVar variation 4778912 (VCV004778912.1).